The following is an entry in ClinVar:

ClinVar aggregate classification (germline): Likely pathogenic (1 of 4 stars; one submission).

Conditions:
Hereditary cancer-predisposing syndrome. Also called: Neoplastic Syndromes, Hereditary; Tumor predisposition; Hereditary Cancer Syndrome; Hereditary neoplastic syndrome. Identifiers: Orphanet 140162, MedGen C0027672, MeSH D009386, MONDO:0015356.

Submission:

Labcorp Genetics (formerly Invitae), Labcorp
Classification: Likely pathogenic for Hereditary cancer-predisposing syndrome. Last evaluated: 2021-12-07. Review status: criteria provided, single submitter. Criteria: Invitae Variant Classification Sherloc (09022015). Collection method: clinical testing. Allele origin: germline.
Comment: This sequence change affects an acceptor splice site in intron 12 of the RAD50 gene. It is expected to disrupt RNA splicing. Variants that disrupt the donor or acceptor splice site typically lead to a loss of protein function (PMID: 16199547), and loss-of-function variants in RAD50 are known to be pathogenic (PMID: 19409520). This variant is not present in population databases (gnomAD no frequency). This variant has not been reported in the literature in individuals affected with RAD50-related conditions. ClinVar contains an entry for this variant (Variation ID: 457391). Algorithms developed to predict the effect of sequence changes on RNA splicing suggest that this variant may disrupt the consensus splice site. In summary, the currently available evidence indicates that the variant is pathogenic, but additional data are needed to prove that conclusively. Therefore, this variant has been classified as Likely Pathogenic.

Literature cited by the submitters: PubMed 16199547; PubMed 19409520.

NM_005732.4(RAD50):c.1970-1G>A

Gene: RAD50 (RAD50 double strand break repair protein; plus strand). Cytogenetic location: 5q31.1.
Variant type: single nucleotide variant.
Coding change: c.1970-1G>A on transcript NM_005732.4 (MANE Select); the canonical splice acceptor site of the intron before coding-DNA position 1970, G replaced by A.
Molecular consequence: splice acceptor variant.
Genome position (GRCh38, 1-based): chr5:132,595,572, G>A. VCF-style: chr5-132595572-G-A. GRCh37 (hg19) VCF-style: chr5-131931264-G-A.
Identifiers: ClinVar variation 457391 (VCV000457391.7), dbSNP rs1554098662, ClinGen allele CA360949141.